The following is an entry in ClinVar:

ClinVar aggregate classification (germline): Likely benign. Review status: criteria provided, multiple submitters, no conflicts (2 of 4 stars). 5 submissions from 5 submitters: Likely benign (5). Last evaluated 2026-01-31.

Conditions:
Glycogen storage disease type III (GSD3). Also called: Cori disease; FORBES DISEASE. Identifiers: Orphanet 366, MedGen C0017922, MONDO:0009291, OMIM 232400.

Allele frequency attached by ClinVar (database versions not stated): ExAC 0.00012; gnomAD exomes 0.00012; ESP Exome Variant Server 0.00015; gnomAD 0.00031 and 0.00034; TOPMed 0.00038; 1000 Genomes Project 0.00040; 1000 Genomes Project 30x 0.00047.
gnomAD v4.1: 153 of 1,614,116 alleles (0.0095%); highest among the groups gnomAD compares: African/African-American, 0.15%; no homozygotes.

Submissions (5):

Labcorp Genetics (formerly Invitae), Labcorp
Classification: Likely benign for Glycogen storage disease type III. Last evaluated: 2026-01-31. Review status: criteria provided, single submitter. Criteria: Invitae Variant Classification Sherloc (09022015). Collection method: clinical testing. Allele origin: germline.

Blueprint Genetics
Classification: Likely benign. Last evaluated: 2024-03-01. Review status: criteria provided, single submitter. Criteria: ACMG Guidelines, 2015. Collection method: clinical testing. Allele origin: germline.

Genome-Nilou Lab
Classification: Likely benign for Glycogen storage disease type III. Last evaluated: 2023-04-11. Review status: criteria provided, single submitter. Criteria: ACMG Guidelines, 2015. Collection method: clinical testing. Allele origin: germline. Affected: no.

CeGaT Center for Human Genetics Tuebingen
Classification: Likely benign. Last evaluated: 2023-04-01. Review status: criteria provided, single submitter. Criteria: CeGaT Center For Human Genetics Tuebingen Variant Classification Criteria Version 2. Collection method: clinical testing. Allele origin: germline. Affected: yes. Observed: 1 variant allele.
Comment: AGL: BP4, BP7

ARUP Laboratories, Molecular Genetics and Genomics, ARUP Laboratories
Classification: Likely benign. Last evaluated: 2022-03-03. Review status: criteria provided, single submitter. Criteria: ARUP Molecular Germline Variant Investigation Process 2021. Collection method: clinical testing. Allele origin: germline.

NM_000642.3(AGL):c.2088C>T (p.Ser696=)

Gene: AGL (amylo-alpha-1,6-glucosidase and 4-alpha-glucanotransferase; plus strand). Cytogenetic location: 1p21.2.
Variant type: single nucleotide variant.
Coding change: c.2088C>T on transcript NM_000642.3 (MANE Select); coding-DNA position 2088, C replaced by T.
Protein change: p.Ser696=; no amino-acid change (serine 696 retained).
Molecular consequence: synonymous variant.
Genome position (GRCh38, 1-based): chr1:99,881,378, C>T. VCF-style: chr1-99881378-C-T. GRCh37 (hg19) VCF-style: chr1-100346934-C-T.
Other names: c.2088C>T, p.Ser696= (NM_000028.3, NM_000643.3, NM_000644.3 and 2 more transcripts); c.2040C>T, p.Ser680= (NM_000646.3); c.1887C>T, p.Ser629= (NM_001425327.1); c.1884C>T, p.Ser628= (NM_001425328.1, NM_001425329.1); c.1710C>T, p.Ser570= (NM_001425332.1).
Identifiers: ClinVar variation 456466 (VCV000456466.43), dbSNP rs144491501, ClinGen allele CA966690.